The following is an entry in ClinVar:

NM_004333.6(BRAF):c.2087G>A (p.Cys696Tyr)

Gene: BRAF (B-Raf proto-oncogene, serine/threonine kinase; minus strand). Cytogenetic location: 7q34.
Variant type: single nucleotide variant.
Coding change: c.2087G>A on transcript NM_004333.6 (MANE Select); coding-DNA position 2087, G replaced by A.
Protein change: p.Cys696Tyr; replaces cysteine 696 with tyrosine.
Molecular consequence: missense variant.
Genome position (GRCh38, 1-based): chr7:140,739,852, C>T on the plus strand (G>A on the coding strand, the complement: BRAF is on the minus strand). VCF-style: chr7-140739852-C-T. GRCh37 (hg19) VCF-style: chr7-140439652-C-T.
Other names: c.2087G>A, p.Cys696Tyr (NM_001354609.2, NM_001378468.1, NM_001378474.1); c.2207G>A, p.Cys736Tyr (NM_001374244.1, NM_001374258.1); c.2096G>A, p.Cys699Tyr (NM_001378467.1); c.2021G>A, p.Cys674Tyr (NM_001378469.1); c.1985G>A, p.Cys662Tyr (NM_001378470.1); c.1976G>A, p.Cys659Tyr (NM_001378471.1); c.1931G>A, p.Cys644Tyr (NM_001378472.1, NM_001378473.1); c.1823G>A, p.Cys608Tyr (NM_001378475.1); short protein forms C662Y, C608Y, C659Y, C699Y, C736Y, C674Y, C644Y, C696Y.
Identifiers: ClinVar variation 2702953 (VCV002702953.3), dbSNP rs2130899570, ClinGen allele CA369538089.

ClinVar aggregate classification (germline): Uncertain significance (1 of 4 stars; one submission).

Conditions:
RASopathy. Also called: Noonan spectrum disorder; rasopathies. Identifiers: Orphanet 536391, MedGen C5555857, MONDO:0021060.

Submission:

Labcorp Genetics (formerly Invitae), Labcorp
Classification: Uncertain significance for RASopathy. Last evaluated: 2023-12-13. Review status: criteria provided, single submitter. Criteria: Invitae Variant Classification Sherloc (09022015). Collection method: clinical testing. Allele origin: germline.
Comment: This sequence change replaces cysteine, which is neutral and slightly polar, with tyrosine, which is neutral and polar, at codon 696 of the BRAF protein (p.Cys696Tyr). This variant is not present in population databases (gnomAD no frequency). This variant has not been reported in the literature in individuals affected with BRAF-related conditions. Advanced modeling of protein sequence and biophysical properties (such as structural, functional, and spatial information, amino acid conservation, physicochemical variation, residue mobility, and thermodynamic stability) performed at Invitae indicates that this missense variant is expected to disrupt BRAF protein function with a positive predictive value of 80%. In summary, the available evidence is currently insufficient to determine the role of this variant in disease. Therefore, it has been classified as a Variant of Uncertain Significance.